The following is an entry in ClinVar:

ClinVar aggregate classification (germline): Uncertain significance (1 of 4 stars; one submission).

Conditions:
Inborn genetic diseases. Identifiers: MedGen C0950123, MeSH D030342.

Submission:

Ambry Genetics
Classification: Uncertain significance for Inborn genetic diseases. Last evaluated: 2025-01-20. Review status: criteria provided, single submitter. Criteria: Ambry Variant Classification Scheme 2023. Collection method: clinical testing. Allele origin: germline.
Comment: The p.L217V variant (also known as c.649C>G), located in coding exon 6 of the FANCG gene, results from a C to G substitution at nucleotide position 649. The leucine at codon 217 is replaced by valine, an amino acid with highly similar properties. This amino acid position is conserved. In addition, this alteration is predicted to be tolerated by in silico analysis. Based on the available evidence, the clinical significance of this variant remains unclear.

NM_004629.2(FANCG):c.649C>G (p.Leu217Val)

Gene: FANCG (FA complementation group G; minus strand). Cytogenetic location: 9p13.3.
Variant type: single nucleotide variant.
Coding change: c.649C>G on transcript NM_004629.2 (MANE Select); coding-DNA position 649, C replaced by G.
Protein change: p.Leu217Val; replaces leucine 217 with valine.
Molecular consequence: missense variant.
Genome position (GRCh38, 1-based): chr9:35,077,099, G>C on the plus strand (C>G on the coding strand, the complement: FANCG is on the minus strand). VCF-style: chr9-35077099-G-C. GRCh37 (hg19) VCF-style: chr9-35077096-G-C.
Other names: short protein forms L217V.
Identifiers: ClinVar variation 3848413 (VCV003848413.1).
Genomic context (GRCh38, chr9:35,077,099, plus strand): 5'-AGGCCGCTTCATGAAGGCTGCTTAGTGCCTTGTCTGGGTTCCCTGTGATCAGCTCCTGGA[G>C]ACCTGAGGACAGTCAGGGTGTGAGCTTGGAGAGGGCTATAGAGCAGGGGTCATGATGGGG-3'
Protein context (NP_004620.1, residues 207-227): LLTAFAYRQG[Leu217Val]QELITGNPDK